The following is an entry in ClinVar:

ClinVar aggregate classification (germline): Uncertain significance (1 of 4 stars; one submission).

Submission:

Labcorp Genetics (formerly Invitae), Labcorp
Classification: Uncertain significance. Last evaluated: 2022-08-19. Review status: criteria provided, single submitter. Criteria: Invitae Variant Classification Sherloc (09022015). Collection method: clinical testing. Allele origin: germline.
Comment: This sequence change replaces glutamine, which is neutral and polar, with lysine, which is basic and polar, at codon 2552 of the KMT2A protein (p.Gln2552Lys). This variant is not present in population databases (gnomAD no frequency). This variant has not been reported in the literature in individuals affected with KMT2A-related conditions. ClinVar contains an entry for this variant (Variation ID: 1469200). Advanced modeling of protein sequence and biophysical properties (such as structural, functional, and spatial information, amino acid conservation, physicochemical variation, residue mobility, and thermodynamic stability) performed at Invitae indicates that this missense variant is not expected to disrupt KMT2A protein function. In summary, the available evidence is currently insufficient to determine the role of this variant in disease. Therefore, it has been classified as a Variant of Uncertain Significance.

NM_001197104.2(KMT2A):c.7654C>A (p.Gln2552Lys)

Gene: KMT2A (lysine methyltransferase 2A; plus strand). Cytogenetic location: 11q23.3.
Variant type: single nucleotide variant.
Coding change: c.7654C>A on transcript NM_001197104.2 (MANE Select); coding-DNA position 7654, C replaced by A.
Protein change: p.Gln2552Lys; replaces glutamine 2552 with lysine.
Molecular consequence: missense variant.
Genome position (GRCh38, 1-based): chr11:118,503,546, C>A. VCF-style: chr11-118503546-C-A. GRCh37 (hg19) VCF-style: chr11-118374261-C-A.
Other names: c.7645C>A, p.Gln2549Lys (NM_005933.4); short protein forms Q2549K, Q2552K.
Identifiers: ClinVar variation 1469200 (VCV001469200.8), dbSNP rs2134393437, ClinGen allele CA382806351.